The following is an entry in ClinVar:

NM_024422.6(DSC2):c.2104T>C (p.Leu702=)

Gene: DSC2 (desmocollin 2; minus strand). Cytogenetic location: 18q12.1.
Variant type: single nucleotide variant.
Coding change: c.2104T>C on transcript NM_024422.6 (MANE Select); coding-DNA position 2104, T replaced by C.
Protein change: p.Leu702=; no amino-acid change (leucine 702 retained).
Molecular consequence: synonymous variant.
Genome position (GRCh38, 1-based): chr18:31,071,626, A>G on the plus strand (T>C on the coding strand, the complement: DSC2 is on the minus strand). VCF-style: chr18-31071626-A-G. GRCh37 (hg19) VCF-style: chr18-28651592-A-G.
Other names: c.2104T>C, p.Leu702= (NM_004949.5).
Identifiers: ClinVar variation 519402 (VCV000519402.23), dbSNP rs753742489, ClinGen allele CA034590.

ClinVar aggregate classification (germline): Benign/Likely benign. Review status: criteria provided, multiple submitters, no conflicts (2 of 4 stars). 11 submissions from 11 submitters: Benign (1); Likely benign (8). 2 of the submissions do not count toward it. Last evaluated 2025-07-23.

Conditions:
Familial isolated arrhythmogenic right ventricular dysplasia. Identifiers: Orphanet 217656, MedGen C4274968, MONDO:0016342.
Cardiomyopathy (CMYO). Also called: Cardiomyopathies. Identifiers: Orphanet 167848, MedGen C0878544, MONDO:0004994, HP:0001638. Inheritance: Various modes of inheritance.
Arrhythmogenic right ventricular dysplasia 11. Also called: Arrhythmogenic right ventricular dysplasia 11 with mild palmoplantar keratoderma and woolly hair; Arrhythmogenic Right Ventricular Dysplasia/Cardiomyopathy11; ARRHYTHMOGENIC RIGHT VENTRICULAR DYSPLASIA, FAMILIAL, 11. Identifiers: MedGen C1864850, MONDO:0012506, OMIM 610476.
Cardiovascular phenotype. Identifiers: MedGen CN230736.

Allele frequency attached by ClinVar (database versions not stated): gnomAD 0.00001; gnomAD exomes 0.00002 and 0.00003; TOPMed 0.00002; ExAC 0.00004.

Submissions (11):

Labcorp Genetics (formerly Invitae), Labcorp
Classification: Likely benign for Arrhythmogenic right ventricular dysplasia 11. Last evaluated: 2025-07-23. Review status: criteria provided, single submitter. Criteria: Invitae Variant Classification Sherloc (09022015). Collection method: clinical testing. Allele origin: germline.

Laboratory of Genetics, Children's Clinical University Hospital Latvia
Classification: Likely benign. Last evaluated: 2025-02-16. Review status: criteria provided, single submitter. Criteria: ACMG Guidelines, 2015. Collection method: clinical testing. Allele origin: germline. Affected: yes.

All of Us Research Program, National Institutes of Health
Classification: Likely benign for Familial isolated arrhythmogenic right ventricular dysplasia. Last evaluated: 2023-12-13. Review status: criteria provided, single submitter. Criteria: ACMG Guidelines, 2015. Collection method: clinical testing. Allele origin: germline. Inheritance: Autosomal dominant inheritance. Observed: 9 variant alleles, 9 heterozygotes.
Comment: This study involves interpretation of variants in research participants for the purpose of population health screening. Participant phenotype was not available at the time of variant classification. Additional details can be found in publication PMID: 35346344, PMCID: PMC8962531

Women's Health and Genetics/Laboratory Corporation of America, LabCorp
Classification: Likely benign. Last evaluated: 2022-02-26. Review status: criteria provided, single submitter. Criteria: LabCorp Variant Classification Summary - May 2015. Collection method: clinical testing. Allele origin: germline.

Blueprint Genetics
Classification: Likely benign. Last evaluated: 2020-03-15. Review status: criteria provided, single submitter. Criteria: ACMG Guidelines, 2015. Collection method: clinical testing. Allele origin: germline.

Color Diagnostics, LLC DBA Color Health
Classification: Likely benign for Cardiomyopathy. Last evaluated: 2018-11-30. Review status: criteria provided, single submitter. Criteria: ACMG Guidelines, 2015. Collection method: clinical testing. Allele origin: germline.

Clinical Genetics DNA and cytogenetics Diagnostics Lab, Erasmus MC, Erasmus Medical Center
Classification: Likely benign for Arrhythmogenic right ventricular dysplasia 11. Last evaluated: 2017-06-28. Review status: criteria provided, single submitter. Criteria: ACGS Guidelines, 2013. Collection method: clinical testing. Allele origin: germline. Affected: yes. Study: VKGL Data-share Consensus.

Ambry Genetics
Classification: Likely benign for Cardiovascular phenotype. Last evaluated: 2017-03-06. Review status: criteria provided, single submitter. Criteria: Ambry Variant Classification Scheme 2023. Collection method: clinical testing. Allele origin: germline.

GeneDx
Classification: Benign. Last evaluated: 2016-07-05. Review status: criteria provided, single submitter. Criteria: GeneDx Variant Classification Process June 2021. Collection method: clinical testing. Allele origin: germline. Affected: yes.

Clinical Genetics, Academic Medical Center
Classification: Benign. Review status: no assertion criteria provided. Collection method: clinical testing. Allele origin: germline. Affected: yes. Study: VKGL Data-share Consensus. Not counted in ClinVar's aggregate classification.

Genome Diagnostics Laboratory, University Medical Center Utrecht
Classification: Likely benign. Review status: no assertion criteria provided. Collection method: clinical testing. Allele origin: germline. Affected: yes. Study: VKGL Data-share Consensus. Not counted in ClinVar's aggregate classification.